The following is an entry in ClinVar:

ClinVar aggregate classification (germline): Uncertain significance. Review status: criteria provided, multiple submitters, no conflicts (2 of 4 stars). 3 submissions from 3 submitters: Uncertain significance (3). Last evaluated 2025-05-05.

Conditions:
Hypertrophic cardiomyopathy. Also called: HYPERTROPHIC MYOCARDIOPATHY. Identifiers: Orphanet 217569, MedGen C0007194, MeSH D002312, MONDO:0005045, HP:0001639.

Allele frequency attached by ClinVar (database versions not stated): gnomAD exomes 0.00001 and 0.00003; ExAC 0.00002; TOPMed 0.00003; gnomAD 0.00004; ESP Exome Variant Server 0.00017.
gnomAD v4.1: 46 of 1,613,734 alleles (0.0029%); highest among the groups gnomAD compares: Non-Finnish European, 0.0037%; no homozygotes.

Submissions (3):

Labcorp Genetics (formerly Invitae), Labcorp
Classification: Uncertain significance for Hypertrophic cardiomyopathy. Last evaluated: 2025-05-05. Review status: criteria provided, single submitter. Criteria: Invitae Variant Classification Sherloc (09022015). Collection method: clinical testing. Allele origin: germline.
Comment: This sequence change replaces tyrosine, which is neutral and polar, with aspartic acid, which is acidic and polar, at codon 1175 of the MYOM1 protein (p.Tyr1175Asp). This variant is present in population databases (rs370276820, gnomAD 0.006%). This variant has not been reported in the literature in individuals affected with MYOM1-related conditions. ClinVar contains an entry for this variant (Variation ID: 573173). Invitae Evidence Modeling of protein sequence and biophysical properties (such as structural, functional, and spatial information, amino acid conservation, physicochemical variation, residue mobility, and thermodynamic stability) has been performed for this missense variant. However, the output from this modeling did not meet the statistical confidence thresholds required to predict the impact of this variant on MYOM1 protein function. In summary, the available evidence is currently insufficient to determine the role of this variant in disease. Therefore, it has been classified as a Variant of Uncertain Significance.

Ambry Genetics
Classification: Uncertain significance. Last evaluated: 2024-04-28. Review status: criteria provided, single submitter. Criteria: Ambry Variant Classification Scheme 2023. Collection method: clinical testing. Allele origin: germline.
Comment: The p.Y1175D variant (also known as c.3523T>G), located in coding exon 22 of the MYOM1 gene, results from a T to G substitution at nucleotide position 3523. The tyrosine at codon 1175 is replaced by aspartic acid, an amino acid with highly dissimilar properties. This amino acid position is conserved. In addition, the in silico prediction for this alteration is inconclusive. Since supporting evidence is limited at this time, the clinical significance of this alteration remains unclear.

Laboratory for Molecular Medicine, Mass General Brigham Personalized Medicine
Classification: Uncertain significance. Last evaluated: 2018-04-06. Review status: criteria provided, single submitter. Criteria: LMM Criteria. Collection method: clinical testing. Allele origin: germline. Observed: 1 variant allele.
Comment: The p.Tyr1175Asp variant in MYOM1 has not been reported in individuals with card iomyopathy, but has been identified in 7/126694 of European chromosomes by the G enome Aggregation Database (gnomAD; dbSNP rs37 0276820). Computational prediction tools and conservation analysis suggest that this variant may impact the protein, though this information is not predictive e nough to determine pathogenicity. In summary, the clinical significance of the p .Tyr1175Asp variant is uncertain. ACMG/AMP Criteria applied: PP3.

NM_003803.4(MYOM1):c.3523T>G (p.Tyr1175Asp)

Gene: MYOM1 (myomesin 1; minus strand). Cytogenetic location: 18p11.31.
Variant type: single nucleotide variant.
Coding change: c.3523T>G on transcript NM_003803.4 (MANE Select); coding-DNA position 3523, T replaced by G.
Protein change: p.Tyr1175Asp; replaces tyrosine 1175 with aspartic acid.
Molecular consequence: missense variant.
Genome position (GRCh38, 1-based): chr18:3,102,526, A>C on the plus strand (T>G on the coding strand, the complement: MYOM1 is on the minus strand). VCF-style: chr18-3102526-A-C. GRCh37 (hg19) VCF-style: chr18-3102524-A-C.
Other names: p.Tyr1175Asp; c.3235T>G, p.Tyr1079Asp (NM_019856.2); short protein forms Y1175D, Y1079D.
Identifiers: ClinVar variation 573173 (VCV000573173.13), dbSNP rs370276820, ClinGen allele CA8874270.